The following is an entry in ClinVar:

NM_007294.4(BRCA1):c.24del (p.Glu9fs)

Gene: BRCA1 (BRCA1 DNA repair associated; minus strand). Cytogenetic location: 17q21.31.
Variant type: Deletion.
Coding change: c.24del on transcript NM_007294.4 (MANE Select); coding-DNA position 24, one base deleted (T; older notation c.24delT).
Protein change: p.Glu9fs; shifts the reading frame from glutamic acid 9.
Molecular consequence: frameshift variant. On other transcripts: 5 prime UTR variant (136), intron variant (36).
Genome position (GRCh38, 1-based): chr17:43,124,073, A deleted on the plus strand (T on the coding strand, the reverse complement: BRCA1 is on the minus strand); the first of 2 consecutive A bases (chr17:43,124,073-43,124,074); deleting either gives the same sequence. VCF-style (leftmost placement, unchanged base first): chr17-43124072-CA-C. GRCh37 (hg19) VCF-style: chr17-41276089-CA-C.
Other names: c.24del, p.Glu9fs (NM_001408443.1, NM_001408444.1, NM_001408445.1 and 192 more transcripts); c.-237del (NM_001408452.1, NM_001408462.1, NM_001408463.1 and 22 more transcripts); c.-64del (NM_001408454.1, NM_001408459.1, NM_001408460.1 and 23 more transcripts); c.-234del (NM_001408455.1, NM_001408456.1, NM_001408468.1 and 11 more transcripts); c.-238del (NM_001408465.1, NM_001407695.1); c.-165del (NM_001408478.1, NM_001408479.1, NM_001408480.1 and 46 more transcripts); c.-310del (NM_001408482.1); c.-281del (NM_001408492.1, NM_001407889.1); and 24 more; short protein forms E9fs.
Identifiers: ClinVar variation 4824193 (VCV004824193.1).

ClinVar aggregate classification (germline): Pathogenic (1 of 4 stars; one submission).

Conditions:
Hereditary cancer-predisposing syndrome. Also called: Neoplastic Syndromes, Hereditary; Hereditary neoplastic syndrome; Tumor predisposition; Hereditary Cancer Syndrome. Identifiers: Orphanet 140162, MedGen C0027672, MeSH D009386, MONDO:0015356.

Submission:

Ambry Genetics
Classification: Pathogenic for Hereditary cancer-predisposing syndrome. Last evaluated: 2026-02-06. Review status: criteria provided, single submitter. Criteria: Ambry Variant Classification Scheme 2023. Collection method: clinical testing. Allele origin: germline.
Comment: The c.24delT pathogenic mutation, located in coding exon 1 of the BRCA1 gene, results from a deletion of one nucleotide at nucleotide position 24, causing a translational frameshift with a predicted alternate stop codon (p.E9Kfs*14). This variant is considered to be rare based on population cohorts in the Genome Aggregation Database (gnomAD). This alteration is expected to result in loss of function by premature protein truncation or nonsense-mediated mRNA decay. As such, this alteration is interpreted as a disease-causing mutation.